The following is an entry in ClinVar:

NM_014712.3(SETD1A):c.2002C>T (p.Arg668Ter)

Gene: SETD1A (SET domain containing 1A, histone lysine methyltransferase; plus strand). Cytogenetic location: 16p11.2.
Variant type: single nucleotide variant.
Coding change: c.2002C>T on transcript NM_014712.3 (MANE Select); coding-DNA position 2002, C replaced by T.
Protein change: p.Arg668Ter; replaces arginine 668 with a stop codon.
Molecular consequence: nonsense.
Genome position (GRCh38, 1-based): chr16:30,965,883, C>T. VCF-style: chr16-30965883-C-T. GRCh37 (hg19) VCF-style: chr16-30977204-C-T.
Other names: short protein forms R668*.
Identifiers: ClinVar variation 2609891 (VCV002609891.5), dbSNP rs2543861155, ClinGen allele CA395657227.

ClinVar aggregate classification (germline): Pathogenic/Likely pathogenic. Review status: criteria provided, multiple submitters, no conflicts (2 of 4 stars). 3 submissions from 3 submitters: Pathogenic (2); Likely pathogenic (1). Last evaluated 2023-09-08.

Conditions:
Inborn genetic diseases. Identifiers: MedGen C0950123, MeSH D030342.
Epilepsy, early-onset, with or without developmental delay. Identifiers: MedGen C5882670, MONDO:0030005, OMIM 618832.
Neurodevelopmental disorder with speech impairment and dysmorphic facies. Identifiers: MedGen C5436699, MONDO:0033630, OMIM 619056.

Submissions (3):

Institute of Human Genetics, Clinical Exome/Genome Diagnostics Group, University Hospital Bonn
Classification: Pathogenic for Neurodevelopmental disorder with speech impairment and dysmorphic facies; Epilepsy, early-onset, with or without developmental delay. Last evaluated: 2023-09-08. Review status: criteria provided, single submitter. Criteria: ACMG Guidelines, 2015. Collection method: clinical testing. Allele origin: de novo. Affected: yes.

Ambry Genetics
Classification: Pathogenic for Inborn genetic diseases. Last evaluated: 2023-08-11. Review status: criteria provided, single submitter. Criteria: Ambry Variant Classification Scheme 2023. Collection method: clinical testing. Allele origin: germline.
Comment: The c.2002C>T (p.R668*) alteration, located in exon 8 (coding exon 7) of the SETD1A gene, consists of a C to T substitution at nucleotide position 2002. This changes the amino acid from a arginine (R) to a stop codon at amino acid position 668. This alteration is expected to result in loss of function by premature protein truncation or nonsense-mediated mRNA decay. This variant was not reported in population-based cohorts in the Genome Aggregation Database (gnomAD). Based on the available evidence, this alteration is classified as pathogenic.

Juno Genomics, Hangzhou Juno Genomics, Inc
Classification: Likely pathogenic for Epilepsy, early-onset, with or without developmental delay; Neurodevelopmental disorder with speech impairment and dysmorphic facies. Review status: criteria provided, single submitter. Criteria: ACMG Guidelines, 2015. Collection method: clinical testing. Allele origin: germline.
Comment: Absent from controls (or at extremely low frequency if recessive) in Genome Aggregation Database.;Null variant in a gene where loss of function (LOF) is a known mechanism of disease.